The following is an entry in ClinVar:

NM_001197104.2(KMT2A):c.4180C>G (p.Pro1394Ala)

Gene: KMT2A (lysine methyltransferase 2A; plus strand). Cytogenetic location: 11q23.3.
Variant type: single nucleotide variant.
Coding change: c.4180C>G on transcript NM_001197104.2 (MANE Select); coding-DNA position 4180, C replaced by G.
Protein change: p.Pro1394Ala; replaces proline 1394 with alanine.
Molecular consequence: missense variant.
Genome position (GRCh38, 1-based): chr11:118,484,276, C>G. VCF-style: chr11-118484276-C-G. GRCh37 (hg19) VCF-style: chr11-118354991-C-G.
Other names: c.4279C>G, p.Pro1427Ala (NM_001412597.1); c.4180C>G, p.Pro1394Ala (NM_005933.4); short protein forms P1394A, P1427A.
Identifiers: ClinVar variation 3703082 (VCV003703082.2).
Genomic context (GRCh38, chr11:118,484,276, plus strand): 5'-GCAGGCACTTTGAACATCCTCAGCACTCTCTCCAATGGCAATAGTTCTAAGCAAAAAATT[C>G]CAGCAGATGGAGTCCACAGGATCAGAGTGGACTTTAAGGTAAAGGTGTTCAGTGATCATA-3'
Protein context (NP_001184033.1, residues 1384-1404): SNGNSSKQKI[Pro1394Ala]ADGVHRIRVD

ClinVar aggregate classification (germline): Uncertain significance (1 of 4 stars; one submission).

gnomAD v4.1: 1 of 1,614,002 alleles (0.000062%); highest among the groups gnomAD compares: Admixed American, 0.0017%; no homozygotes.

Submission:

Labcorp Genetics (formerly Invitae), Labcorp
Classification: Uncertain significance. Last evaluated: 2024-12-04. Review status: criteria provided, single submitter. Criteria: Invitae Variant Classification Sherloc (09022015). Collection method: clinical testing. Allele origin: germline.
Comment: This sequence change replaces proline, which is neutral and non-polar, with alanine, which is neutral and non-polar, at codon 1394 of the KMT2A protein (p.Pro1394Ala). This variant is not present in population databases (gnomAD no frequency). This variant has not been reported in the literature in individuals affected with KMT2A-related conditions. Invitae Evidence Modeling of protein sequence and biophysical properties (such as structural, functional, and spatial information, amino acid conservation, physicochemical variation, residue mobility, and thermodynamic stability) has been performed for this missense variant. However, the output from this modeling did not meet the statistical confidence thresholds required to predict the impact of this variant on KMT2A protein function. In summary, the available evidence is currently insufficient to determine the role of this variant in disease. Therefore, it has been classified as a Variant of Uncertain Significance.